The following is an entry in ClinVar:

ClinVar aggregate classification (germline): Uncertain significance. Review status: criteria provided, multiple submitters, no conflicts (2 of 4 stars). 3 submissions from 3 submitters: Uncertain significance (3). Last evaluated 2026-01-05.

Conditions:
Microcephaly, normal intelligence and immunodeficiency (NBS). Also called: Immunodeficiency, microcephaly with normal intelligence; SEEMANOVA SYNDROME II; Nijmegen breakage syndrome; Microcephaly with normal intelligence immunodeficiency and lymphoreticular malignancies; Nonsyndromal microcephaly autosomal recessive with normal intelligence; Seemanova syndrome 2. Identifiers: Orphanet 647, MedGen C0398791, MONDO:0009623, OMIM 251260.
Hereditary cancer-predisposing syndrome. Also called: Hereditary Cancer Syndrome; Neoplastic Syndromes, Hereditary; Tumor predisposition; Hereditary neoplastic syndrome. Identifiers: Orphanet 140162, MedGen C0027672, MeSH D009386, MONDO:0015356.

Allele frequency attached by ClinVar (database versions not stated): gnomAD 0.00001; TOPMed 0.00002.
gnomAD v4.1: 1 of 1,613,652 alleles (0.000062%); highest among the groups gnomAD compares: Admixed American, 0.0017%; no homozygotes.

Submissions (3):

Labcorp Genetics (formerly Invitae), Labcorp
Classification: Uncertain significance for Microcephaly, normal intelligence and immunodeficiency. Last evaluated: 2026-01-05. Review status: criteria provided, single submitter. Criteria: Invitae Variant Classification Sherloc (09022015). Collection method: clinical testing. Allele origin: germline.
Comment: This sequence change replaces asparagine, which is neutral and polar, with lysine, which is basic and polar, at codon 453 of the NBN protein (p.Asn453Lys). This variant is present in population databases (no rsID available, gnomAD 0.1%). This variant has not been reported in the literature in individuals affected with NBN-related conditions. ClinVar contains an entry for this variant (Variation ID: 639115). An algorithm developed to predict the effect of missense changes on protein structure and function (PolyPhen-2) suggests that this variant is likely to be tolerated. In summary, the available evidence is currently insufficient to determine the role of this variant in disease. Therefore, it has been classified as a Variant of Uncertain Significance.

Ambry Genetics
Classification: Uncertain significance for Hereditary cancer-predisposing syndrome. Last evaluated: 2023-12-08. Review status: criteria provided, single submitter. Criteria: Ambry Variant Classification Scheme 2023. Collection method: clinical testing. Allele origin: germline.
Comment: The p.N453K variant (also known as c.1359C>A), located in coding exon 10 of the NBN gene, results from a C to A substitution at nucleotide position 1359. The asparagine at codon 453 is replaced by lysine, an amino acid with similar properties. This amino acid position is well conserved in available vertebrate species. In addition, this alteration is predicted to be tolerated by in silico analysis. Since supporting evidence is limited at this time, the clinical significance of this alteration remains unclear.

Genome-Nilou Lab
Classification: Uncertain significance for Microcephaly, normal intelligence and immunodeficiency. Last evaluated: 2021-11-07. Review status: criteria provided, single submitter. Criteria: ACMG Guidelines, 2015. Collection method: clinical testing. Allele origin: germline. Affected: no.

NM_002485.5(NBN):c.1359C>A (p.Asn453Lys)

Gene: NBN (nibrin; minus strand). Cytogenetic location: 8q21.3.
Variant type: single nucleotide variant.
Coding change: c.1359C>A on transcript NM_002485.5 (MANE Select); coding-DNA position 1359, C replaced by A.
Protein change: p.Asn453Lys; replaces asparagine 453 with lysine.
Molecular consequence: missense variant.
Genome position (GRCh38, 1-based): chr8:89,955,321, G>T on the plus strand (C>A on the coding strand, the complement: NBN is on the minus strand). VCF-style: chr8-89955321-G-T. GRCh37 (hg19) VCF-style: chr8-90967549-G-T.
Other names: c.1113C>A, p.Asn371Lys (NM_001024688.3); short protein forms N453K, N371K.
Identifiers: ClinVar variation 639115 (VCV000639115.14), dbSNP rs1412358437, ClinGen allele CA371656032.